The following is an entry in ClinVar:

ClinVar aggregate classification (germline): Benign. Review status: criteria provided, single submitter (1 of 4 stars). 2 submissions from 2 submitters: Benign (1). 1 of the submissions does not count toward it. Last evaluated 2018-06-14.

Allele frequency attached by ClinVar (database versions not stated): gnomAD exomes 0.00210 and 0.00548; ExAC 0.00672; 1000 Genomes Project 0.01997; 1000 Genomes Project 30x 0.02077; gnomAD 0.02112 and 0.02284; ESP Exome Variant Server 0.02460; TOPMed 0.02464.
gnomAD v4.1: 6,306 of 1,561,220 alleles (0.4%); highest among the groups gnomAD compares: African/African-American, 7.5%; 215 homozygotes.

Submissions (2):

GeneDx
Classification: Benign. Last evaluated: 2018-06-14. Review status: criteria provided, single submitter. Criteria: GeneDx Variant Classification (06012015). Collection method: clinical testing. Allele origin: germline. Affected: yes.
Comment: This variant is considered likely benign or benign based on one or more of the following criteria: it is a conservative change, it occurs at a poorly conserved position in the protein, it is predicted to be benign by multiple in silico algorithms, and/or has population frequency not consistent with disease.

Genetic Services Laboratory, University of Chicago
Classification: Likely benign. Review status: no assertion criteria provided. Collection method: clinical testing. Allele origin: germline. Inheritance: Autosomal dominant inheritance. Not counted in ClinVar's aggregate classification.
Comment: Likely benign based on allele frequency in 1000 Genomes Project or ESP global frequency and its presence in a patient with a rare or unrelated disease phenotype. NOT Sanger confirmed

NM_001130438.3(SPTAN1):c.1462-27T>A

Gene: SPTAN1 (spectrin alpha, non-erythrocytic 1; plus strand). Cytogenetic location: 9q34.11.
Variant type: single nucleotide variant.
Coding change: c.1462-27T>A on transcript NM_001130438.3 (MANE Select); 27 bases into the intron before coding-DNA position 1462, T replaced by A.
Molecular consequence: intron variant.
Genome position (GRCh38, 1-based): chr9:128,581,755, T>A. VCF-style: chr9-128581755-T-A. GRCh37 (hg19) VCF-style: chr9-131344034-T-A.
Other names: c.1462-27T>A (NM_001363759.2, NM_003127.4, NM_001363765.2 and 1 more transcripts).
Identifiers: ClinVar variation 159995 (VCV000159995.6), dbSNP rs7040737, ClinGen allele CA173539.